The following is an entry in ClinVar:

NM_001378418.1(TCF20):c.1419G>A (p.Met473Ile)

Gene: TCF20 (transcription factor 20; minus strand). Cytogenetic location: 22q13.2.
Variant type: single nucleotide variant.
Coding change: c.1419G>A on transcript NM_001378418.1 (MANE Select); coding-DNA position 1419, G replaced by A.
Protein change: p.Met473Ile; replaces methionine 473 with isoleucine.
Molecular consequence: missense variant.
Genome position (GRCh38, 1-based): chr22:42,213,887, C>T on the plus strand (G>A on the coding strand, the complement: TCF20 is on the minus strand). VCF-style: chr22-42213887-C-T. GRCh37 (hg19) VCF-style: chr22-42609893-C-T.
Other names: c.1419G>A, p.Met473Ile (NM_005650.4, NM_181492.3); short protein forms M473I.
Identifiers: ClinVar variation 3373372 (VCV003373372.1).
Genomic context (GRCh38, chr22:42,213,887, plus strand): 5'-CTTGGAAGATGAGGGCCTCTTGGAGGTCTTCTTCTGAGGAGTCAGGGCATCAGAAAGTAA[C>T]ATGTGCTGGACAGTGTTAGGAAGATTGGCCACTTGAGTACTCAGAGCACTCAAACTACTC-3'
Protein context (NP_001365347.1, residues 463-483): VANLPNTVQH[Met473Ile]LLSDALTPQK

ClinVar aggregate classification (germline): Uncertain significance (1 of 4 stars; one submission).

Submission:

GeneDx
Classification: Uncertain significance. Last evaluated: 2024-05-01. Review status: criteria provided, single submitter. Criteria: GeneDx Variant Classification Process June 2021. Collection method: clinical testing. Allele origin: germline. Affected: yes.
Comment: Not observed at significant frequency in large population cohorts (gnomAD); In silico analysis indicates that this missense variant does not alter protein structure/function; Has not been previously published as pathogenic or benign to our knowledge